The following is an entry in ClinVar:

NM_144498.4(OSBPL2):c.5A>G (p.Asn2Ser)

Gene: OSBPL2 (oxysterol binding protein like 2; plus strand). Cytogenetic location: 20q13.33.
Variant type: single nucleotide variant.
Coding change: c.5A>G on transcript NM_144498.4 (MANE Select); coding-DNA position 5, A replaced by G.
Protein change: p.Asn2Ser; replaces asparagine 2 with serine.
Molecular consequence: missense variant. On other transcripts: 5 prime UTR variant (2).
Genome position (GRCh38, 1-based): chr20:62,256,189, A>G. VCF-style: chr20-62256189-A-G. GRCh37 (hg19) VCF-style: chr20-60831245-A-G.
Other names: c.-217A>G (NM_001278649.3); c.-362A>G (NM_001363878.2); c.5A>G, p.Asn2Ser (NM_014835.5); short protein forms N2S.
Identifiers: ClinVar variation 1349369 (VCV001349369.6), dbSNP rs2145927454, ClinGen allele CA409531747.

ClinVar aggregate classification (germline): Uncertain significance (1 of 4 stars; one submission).

Submission:

Labcorp Genetics (formerly Invitae), Labcorp
Classification: Uncertain significance. Last evaluated: 2022-03-04. Review status: criteria provided, single submitter. Criteria: Invitae Variant Classification Sherloc (09022015). Collection method: clinical testing. Allele origin: germline.
Comment: This sequence change replaces asparagine, which is neutral and polar, with serine, which is neutral and polar, at codon 2 of the OSBPL2 protein (p.Asn2Ser). This variant is not present in population databases (gnomAD no frequency). This variant has not been reported in the literature in individuals affected with OSBPL2-related conditions. This missense change has been observed in at least one individual who was not affected with OSBPL2-related conditions (Invitae). Algorithms developed to predict the effect of missense changes on protein structure and function are either unavailable or do not agree on the potential impact of this missense change (SIFT: "Deleterious"; PolyPhen-2: "Benign"; Align-GVGD: "Class C0"). In summary, the available evidence is currently insufficient to determine the role of this variant in disease. Therefore, it has been classified as a Variant of Uncertain Significance.